The following is an entry in ClinVar:

NM_001009999.3(KDM1A):c.588C>T (p.Gly196=)

Gene: KDM1A (lysine demethylase 1A; plus strand). Cytogenetic location: 1p36.12.
Variant type: single nucleotide variant.
Coding change: c.588C>T on transcript NM_001009999.3 (MANE Select); coding-DNA position 588, C replaced by T.
Protein change: p.Gly196=; no amino-acid change (glycine 196 retained).
Molecular consequence: synonymous variant.
Genome position (GRCh38, 1-based): chr1:23,050,397, C>T. VCF-style: chr1-23050397-C-T. GRCh37 (hg19) VCF-style: chr1-23376890-C-T.
Other names: c.528C>T, p.Gly176= (NM_001363654.2, NM_015013.4).
Identifiers: ClinVar variation 744779 (VCV000744779.11), dbSNP rs561679633, ClinGen allele CA679506.

ClinVar aggregate classification (germline): Likely benign. Review status: criteria provided, multiple submitters, no conflicts (2 of 4 stars). 3 submissions from 3 submitters: Likely benign (2). 1 of the submissions does not count toward it. Last evaluated 2026-01-12.

Conditions:
KDM1A-related disorder. Also called: KDM1A-related condition.
Inborn genetic diseases. Identifiers: MedGen C0950123, MeSH D030342.

Allele frequency attached by ClinVar (database versions not stated): gnomAD 0.00004; TOPMed 0.00006; ExAC 0.00009; gnomAD exomes 0.00010; 1000 Genomes Project 0.00020; 1000 Genomes Project 30x 0.00031.
gnomAD v4.1: 48 of 1,609,906 alleles (0.003%); highest among the groups gnomAD compares: Admixed American, 0.046%; no homozygotes.

Submissions (3):

Labcorp Genetics (formerly Invitae), Labcorp
Classification: Likely benign. Last evaluated: 2026-01-12. Review status: criteria provided, single submitter. Criteria: Invitae Variant Classification Sherloc (09022015). Collection method: clinical testing. Allele origin: germline.

Ambry Genetics
Classification: Likely benign for Inborn genetic diseases. Last evaluated: 2024-11-24. Review status: criteria provided, single submitter. Criteria: Ambry Variant Classification Scheme 2023. Collection method: clinical testing. Allele origin: germline.

PreventionGenetics, part of Exact Sciences
Classification: Likely benign for KDM1A-related condition. Last evaluated: 2021-03-19. Review status: no assertion criteria provided. Collection method: clinical testing. Allele origin: germline. Not counted in ClinVar's aggregate classification.
Comment: This variant is classified as likely benign based on ACMG/AMP sequence variant interpretation guidelines (Richards et al. 2015 PMID: 25741868, with internal and published modifications).